The following is an entry in ClinVar:

ClinVar aggregate classification (germline): Likely benign. Review status: criteria provided, single submitter (1 of 4 stars). 2 submissions from 2 submitters: Likely benign (1). 1 of the submissions does not count toward it. Last evaluated 2025-06-01.

Conditions:
SIN3B-related disorder. Also called: SIN3B-related condition.

gnomAD v4.1: 48 of 1,598,372 alleles (0.003%); highest among the groups gnomAD compares: Middle Eastern, 0.017%; 1 homozygote.

Submissions (2):

CeGaT Center for Human Genetics Tuebingen
Classification: Likely benign. Last evaluated: 2025-06-01. Review status: criteria provided, single submitter. Criteria: CeGaT Center For Human Genetics Tuebingen Variant Classification Criteria Version 2. Collection method: clinical testing. Allele origin: germline. Affected: yes. Observed: 1 variant allele.
Comment: SIN3B: BP4

PreventionGenetics, part of Exact Sciences
Classification: Likely benign for SIN3B-related condition. Last evaluated: 2024-03-19. Review status: no assertion criteria provided. Collection method: clinical testing. Allele origin: germline. Not counted in ClinVar's aggregate classification.
Comment: This variant is classified as likely benign based on ACMG/AMP sequence variant interpretation guidelines (Richards et al. 2015 PMID: 25741868, with internal and published modifications).

NM_001297595.2(SIN3B):c.1807-8C>A

Gene: SIN3B (SIN3 transcription regulator family member B; plus strand). Cytogenetic location: 19p13.11.
Variant type: single nucleotide variant.
Coding change: c.1807-8C>A on transcript NM_001297595.2 (MANE Select); 8 bases into the intron before coding-DNA position 1807, C replaced by A.
Molecular consequence: intron variant.
Genome position (GRCh38, 1-based): chr19:16,869,452, C>A. VCF-style: chr19-16869452-C-A. GRCh37 (hg19) VCF-style: chr19-16980263-C-A.
Other names: c.1903-8C>A (NM_015260.4); c.577-8C>A (NM_001297597.2).
Identifiers: ClinVar variation 3352868 (VCV003352868.9).